The following is an entry in ClinVar:

ClinVar aggregate classification (germline): Pathogenic. Review status: reviewed by expert panel (3 of 4 stars). 2 submissions from 2 submitters: Pathogenic (1). 1 of the submissions does not count toward it. Last evaluated 2016-09-08.

Conditions:
Breast-ovarian cancer, familial, susceptibility to, 1 (BROVCA1). Also called: OVARIAN CANCER, SUSCEPTIBILITY TO; BRCA1 Hereditary Breast and Ovarian Cancer. Identifiers: Orphanet 145, MedGen C2676676, MONDO:0011450, OMIM 604370. Disease mechanism: loss of function.

Submissions (2):

Evidence-based Network for the Interpretation of Germline Mutant Alleles (ENIGMA)
Classification: Pathogenic for Breast-ovarian cancer, familial, susceptibility to, 1. Last evaluated: 2016-09-08. Review status: reviewed by expert panel. Criteria: ENIGMA BRCA1/2 Classification Criteria (2015). Collection method: curation. Allele origin: germline.
Comment: Variant allele predicted to encode a truncated non-functional protein.

Breast Cancer Information Core (BIC) (BRCA1)
Classification: Pathogenic for Breast-ovarian cancer, familial 1. Review status: no assertion criteria provided. Collection method: clinical testing. Allele origin: germline. Affected: yes. Observed: 1 variant allele. Not counted in ClinVar's aggregate classification.

NM_007294.4(BRCA1):c.3257dup (p.Leu1086fs)

Genes: BRCA1 (BRCA1 DNA repair associated; minus strand), LOC126862571 (BRD4-independent group 4 enhancer GRCh37_chr17:41243136-41244335; plus strand). Cytogenetic location: 17q21.31.
Variant type: Duplication.
Coding change: c.3257dup on transcript NM_007294.4 (MANE Select); coding-DNA position 3257, one base duplicated (T; older notation c.3257dupT).
Protein change: p.Leu1086fs; shifts the reading frame from leucine 1086.
Molecular consequence: frameshift variant. On other transcripts: intron variant (137).
Genome position (GRCh38, 1-based): chr17:43,092,274, A duplicated on the plus strand (T on the coding strand, the reverse complement: BRCA1 is on the minus strand); the first of 2 consecutive A bases (chr17:43,092,274-43,092,275); duplicating either gives the same sequence. VCF-style (leftmost placement, unchanged base first): chr17-43092273-T-TA. GRCh37 (hg19) VCF-style: chr17-41244290-T-TA.
Other names: 3376insT; c.3257dupT (NM_007294.3); c.788-1242dup (NM_001407979.1, NM_001407977.1, NM_001407982.1 and 17 more transcripts); c.647-1242dup (NM_001408410.1, NM_001408458.1, NM_001408469.1 and 11 more transcripts); c.710-1242dup (NM_001408415.1, NM_001408412.1, NM_001408409.1 and 2 more transcripts); c.578-1242dup (NM_001408483.1, NM_001408481.1, NM_001408480.1 and 9 more transcripts); c.665-1242dup (NM_001408442.1, NM_001408426.1, NM_001408436.1 and 12 more transcripts); c.3044dup, p.Leu1015fs (NM_001407571.1, NM_001407853.1, NM_001407894.1 and 9 more transcripts); and 43 more; short protein forms L1039fs, L1086fs, L1016fs, L1060fs, L790fs, L958fs, L998fs, L1015fs.
Identifiers: ClinVar variation 54811 (VCV000054811.4), dbSNP rs80357858, ClinGen allele CA002105.